The following is an entry in ClinVar:

NM_001371928.1(AHDC1):c.1207C>T (p.Arg403Cys)

Gene: AHDC1 (AT-hook DNA binding motif containing 1; minus strand). Cytogenetic location: 1p36.11.
Variant type: single nucleotide variant.
Coding change: c.1207C>T on transcript NM_001371928.1 (MANE Select); coding-DNA position 1207, C replaced by T.
Protein change: p.Arg403Cys; replaces arginine 403 with cysteine.
Molecular consequence: missense variant.
Genome position (GRCh38, 1-based): chr1:27,550,909, G>A on the plus strand (C>T on the coding strand, the complement: AHDC1 is on the minus strand). VCF-style: chr1-27550909-G-A. GRCh37 (hg19) VCF-style: chr1-27877420-G-A.
Other names: c.1207C>T, p.Arg403Cys (NM_001029882.3); short protein forms R403C.
Identifiers: ClinVar variation 2863305 (VCV002863305.3), dbSNP rs761852032, ClinGen allele CA715993.

ClinVar aggregate classification (germline): Uncertain significance (1 of 4 stars; one submission).

Allele frequency attached by ClinVar (database versions not stated): TOPMed below 0.00001; gnomAD 0.00001; ExAC 0.00002.

Submission:

Labcorp Genetics (formerly Invitae), Labcorp
Classification: Uncertain significance. Last evaluated: 2023-08-28. Review status: criteria provided, single submitter. Criteria: Invitae Variant Classification Sherloc (09022015). Collection method: clinical testing. Allele origin: germline.
Comment: This variant has not been reported in the literature in individuals affected with AHDC1-related conditions. In summary, the available evidence is currently insufficient to determine the role of this variant in disease. Therefore, it has been classified as a Variant of Uncertain Significance. An algorithm developed to predict the effect of missense changes on protein structure and function (PolyPhen-2) suggests that this variant is likely to be disruptive. The frequency data for this variant in the population databases is considered unreliable, as metrics indicate poor data quality at this position in the gnomAD database. This sequence change replaces arginine, which is basic and polar, with cysteine, which is neutral and slightly polar, at codon 403 of the AHDC1 protein (p.Arg403Cys).